The following is an entry in ClinVar:

ClinVar aggregate classification (germline): Likely benign. Review status: criteria provided, multiple submitters, no conflicts (2 of 4 stars). 3 submissions from 3 submitters: Likely benign (2). 1 of the submissions does not count toward it. Last evaluated 2019-12-31.

Conditions:
HMGA2-related disorder. Also called: HMGA2-related condition.

Allele frequency attached by ClinVar (database versions not stated): TOPMed 0.00236; gnomAD exomes 0.00047; 1000 Genomes Project 0.00180; 1000 Genomes Project 30x 0.00219; gnomAD 0.00217 and 0.00243; ExAC 0.00062.
gnomAD v4.1: 693 of 1,529,608 alleles (0.045%); highest among the groups gnomAD compares: African/African-American, 0.71%; 1 homozygote.

Submissions (3):

Labcorp Genetics (formerly Invitae), Labcorp
Classification: Likely benign. Last evaluated: 2019-12-31. Review status: criteria provided, single submitter. Criteria: Invitae Variant Classification Sherloc (09022015). Collection method: clinical testing. Allele origin: germline.

Breakthrough Genomics
Classification: Likely benign. Review status: criteria provided, single submitter. Criteria: ACMG Guidelines, 2015. Collection method: not provided. Allele origin: germline. Inheritance: Autosomal dominant inheritance. Affected: yes.

PreventionGenetics, part of Exact Sciences
Classification: Benign for HMGA2-related condition. Last evaluated: 2019-05-02. Review status: no assertion criteria provided. Collection method: clinical testing. Allele origin: germline. Not counted in ClinVar's aggregate classification.
Comment: This variant is classified as benign based on ACMG/AMP sequence variant interpretation guidelines (Richards et al. 2015 PMID: 25741868, with internal and published modifications).

NM_003483.6(HMGA2):c.274C>G (p.Pro92Ala)

Gene: HMGA2 (high mobility group AT-hook 2; plus strand). Cytogenetic location: 12q14.3.
Variant type: single nucleotide variant.
Coding change: c.274C>G on transcript NM_003483.6 (MANE Select); coding-DNA position 274, C replaced by G.
Protein change: p.Pro92Ala; replaces proline 92 with alanine.
Molecular consequence: missense variant.
Genome position (GRCh38, 1-based): chr12:65,951,407, C>G. VCF-style: chr12-65951407-C-G. GRCh37 (hg19) VCF-style: chr12-66345187-C-G.
Other names: c.274C>G, p.Pro92Ala (NM_001300918.1); short protein forms P92A.
Identifiers: ClinVar variation 784302 (VCV000784302.7), dbSNP rs151017786, ClinGen allele CA6671903.
Genomic context (GRCh38, chr12:65,951,407, plus strand): 5'-TTCTTTTAAAATATATCTTTTTCTTTTCCTCCTTAGCCACAACAAGTTGTTCAGAAGAAG[C>G]CTGCTCAGGTAAGACATAGTCATTAATTTTTTTCTCCCAATTAATATAAAAAGTGAAATA-3'
Protein context (NP_003474.1, residues 82-102): KWPQQVVQKK[Pro92Ala]AQEETEETSS